The following is an entry in ClinVar:

NM_177550.5(SLC13A5):c.883G>A (p.Glu295Lys)

Gene: SLC13A5 (solute carrier family 13 member 5; minus strand). Cytogenetic location: 17p13.1.
Variant type: single nucleotide variant.
Coding change: c.883G>A on transcript NM_177550.5 (MANE Select); coding-DNA position 883, G replaced by A.
Protein change: p.Glu295Lys; replaces glutamic acid 295 with lysine.
Molecular consequence: missense variant.
Genome position (GRCh38, 1-based): chr17:6,695,898, C>T on the plus strand (G>A on the coding strand, the complement: SLC13A5 is on the minus strand). VCF-style: chr17-6695898-C-T. GRCh37 (hg19) VCF-style: chr17-6599217-C-T.
Other names: c.883G>A, p.Glu295Lys (NM_001143838.3); c.832G>A, p.Glu278Lys (NM_001284509.2); c.754G>A, p.Glu252Lys (NM_001284510.2); short protein forms E278K, E252K, E295K.
Identifiers: ClinVar variation 661760 (VCV000661760.6), dbSNP rs749077002, ClinGen allele CA8331574.
Genomic context (GRCh38, chr17:6,695,898, plus strand): 5'-CGAAGGACAAGGGCCCCAGCTTCCGGTACTCCTCCTGCAGCACCTTGAGGGCAGCCTTCT[C>T]GTTTTTCTTGCTCTCTAGCCCGCAGCCCCAGGACTTTTTAAAACTGGAGAATGCAAAGAT-3'
Protein context (NP_808218.1, residues 285-305): WGCGLESKKN[Glu295Lys]KAALKVLQEE

ClinVar aggregate classification (germline): Uncertain significance (1 of 4 stars; one submission).

Conditions:
Developmental and epileptic encephalopathy, 25 (DEE25). Also called: Epileptic encephalopathy, early infantile, 25; Developmental and epileptic encephalopathy 25, with amelogenesis imperfecta; Epileptic encephalopathy, early infantile, 25, with amelogenesis imperfecta. Identifiers: Orphanet 442835, MedGen C4014621, MONDO:0014392, OMIM 615905.

Allele frequency attached by ClinVar (database versions not stated): TOPMed 0.00001.

Submission:

Labcorp Genetics (formerly Invitae), Labcorp
Classification: Uncertain significance for Developmental and epileptic encephalopathy, 25. Last evaluated: 2021-08-27. Review status: criteria provided, single submitter. Criteria: Invitae Variant Classification Sherloc (09022015). Collection method: clinical testing. Allele origin: germline.
Comment: This sequence change replaces glutamic acid with lysine at codon 295 of the SLC13A5 protein (p.Glu295Lys). The glutamic acid residue is highly conserved and there is a small physicochemical difference between glutamic acid and lysine. This variant is present in population databases (rs749077002, ExAC 0.002%). This variant has not been reported in the literature in individuals affected with SLC13A5-related conditions. Algorithms developed to predict the effect of missense changes on protein structure and function are either unavailable or do not agree on the potential impact of this missense change (SIFT: "Tolerated"; PolyPhen-2: "Possibly Damaging"; Align-GVGD: "Class C0"). In summary, the available evidence is currently insufficient to determine the role of this variant in disease. Therefore, it has been classified as a Variant of Uncertain Significance.